The following is an entry in ClinVar:

ClinVar aggregate classification (germline): Uncertain significance (1 of 4 stars; one submission).

Submission:

Labcorp Genetics (formerly Invitae), Labcorp
Classification: Uncertain significance. Last evaluated: 2024-02-16. Review status: criteria provided, single submitter. Criteria: Invitae Variant Classification Sherloc (09022015). Collection method: clinical testing. Allele origin: germline.
Comment: This sequence change replaces tryptophan, which is neutral and slightly polar, with cysteine, which is neutral and slightly polar, at codon 284 of the UROD protein (p.Trp284Cys). This variant is not present in population databases (gnomAD no frequency). This variant has not been reported in the literature in individuals affected with UROD-related conditions. Advanced modeling of protein sequence and biophysical properties (such as structural, functional, and spatial information, amino acid conservation, physicochemical variation, residue mobility, and thermodynamic stability) performed at Invitae indicates that this missense variant is expected to disrupt UROD protein function with a positive predictive value of 80%. In summary, the available evidence is currently insufficient to determine the role of this variant in disease. Therefore, it has been classified as a Variant of Uncertain Significance.

NM_000374.5(UROD):c.852G>T (p.Trp284Cys)

Gene: UROD (uroporphyrinogen decarboxylase; plus strand). Cytogenetic location: 1p34.1.
Variant type: single nucleotide variant.
Coding change: c.852G>T on transcript NM_000374.5 (MANE Select); coding-DNA position 852, G replaced by T.
Protein change: p.Trp284Cys; replaces tryptophan 284 with cysteine.
Molecular consequence: missense variant. On other transcripts: non-coding transcript variant (3).
Genome position (GRCh38, 1-based): chr1:45,014,813, G>T. VCF-style: chr1-45014813-G-T. GRCh37 (hg19) VCF-style: chr1-45480485-G-T.
Other names: short protein forms W284C.
Identifiers: ClinVar variation 3641284 (VCV003641284.2).